The following is an entry in ClinVar:

ClinVar aggregate classification (germline): Likely benign. Review status: criteria provided, multiple submitters, no conflicts (2 of 4 stars). 2 submissions from 2 submitters: Likely benign (2). Last evaluated 2026-08-14.

Conditions:
NOTCH2-related disorder. Also called: NOTCH2-related condition.
Hajdu-Cheney syndrome (HJCYS). Also called: ACROOSTEOLYSIS WITH OSTEOPOROSIS AND CHANGES IN SKULL AND MANDIBLE; Acroosteolysis dominant type; SERPENTINE FIBULA-POLYCYSTIC KIDNEY SYNDROME. Identifiers: Orphanet 955, MedGen C0917715, MONDO:0007057, OMIM 102500.

Allele frequency attached by ClinVar (database versions not stated): gnomAD exomes below 0.00001; gnomAD 0.00001; TOPMed 0.00002.
gnomAD v4.1: 2 of 1,612,736 alleles (0.00012%); highest among the groups gnomAD compares: African/African-American, 0.0027%; no homozygotes.

Submissions (2):

PreventionGenetics, part of Exact Sciences
Classification: Likely benign for NOTCH2-related condition. Last evaluated: 2026-08-14. Review status: criteria provided, single submitter. Criteria: ACMG Guidelines, 2015. Collection method: clinical testing. Allele origin: germline.
Comment: This variant is classified as likely benign based on ACMG/AMP sequence variant interpretation guidelines (Richards et al. 2015 PMID: 25741868, with internal and published modifications).

Labcorp Genetics (formerly Invitae), Labcorp
Classification: Likely benign for Hajdu-Cheney syndrome. Last evaluated: 2021-12-22. Review status: criteria provided, single submitter. Criteria: Invitae Variant Classification Sherloc (09022015). Collection method: clinical testing. Allele origin: germline.

NM_024408.4(NOTCH2):c.5946C>T (p.His1982=)

Gene: NOTCH2 (notch receptor 2; minus strand). Cytogenetic location: 1p12.
Variant type: single nucleotide variant.
Coding change: c.5946C>T on transcript NM_024408.4 (MANE Select); coding-DNA position 5946, C replaced by T.
Protein change: p.His1982=; no amino-acid change (histidine 1982 retained).
Molecular consequence: synonymous variant.
Genome position (GRCh38, 1-based): chr1:119,917,746, G>A on the plus strand (C>T on the coding strand, the complement: NOTCH2 is on the minus strand). VCF-style: chr1-119917746-G-A. GRCh37 (hg19) VCF-style: chr1-120460369-G-A.
Other names: c.5946C>T (NM_024408.3).
Identifiers: ClinVar variation 2198178 (VCV002198178.5), dbSNP rs1386342550, ClinGen allele CA420035946.